The following is an entry in ClinVar:

ClinVar aggregate classification (germline): Conflicting classifications of pathogenicity. Review status: criteria provided, conflicting classifications (1 of 4 stars). 4 submissions from 4 submitters: Uncertain significance (1); Benign (1); Likely benign (1). 1 of the submissions does not count toward it. Last evaluated 2025-08-26.

Conditions:
OFD1-related disorder. Also called: OFD1-related condition.
Primary ciliary dyskinesia. Also called: Ciliary dyskinesia. Identifiers: Orphanet 244, MedGen C0008780, MONDO:0016575, HP:0012265.
Joubert syndrome. Also called: JOUBERT-BOLTSHAUSER SYNDROME; Familial aplasia of the vermis. Identifiers: Orphanet 475, MedGen C5979921, MONDO:0018772.
Orofaciodigital syndrome I (OFD1). Also called: OFDS I; Oral-Facial-Digital Syndrome Type I; Papillon-Leage and Psaume Syndrome. Identifiers: Orphanet 2750, MedGen C1510460, MONDO:0010702, OMIM 311200.

Allele frequency attached by ClinVar (database versions not stated): ExAC 0.00003; gnomAD exomes 0.00003 and 0.00010; gnomAD 0.00006 and 0.00007; TOPMed 0.00006.
gnomAD v4.1: 111 of 1,210,180 alleles (0.0092%); highest among the groups gnomAD compares: Non-Finnish European, 0.012%; no homozygotes.

Submissions (4):

Labcorp Genetics (formerly Invitae), Labcorp
Classification: Benign for Orofaciodigital syndrome I; Joubert syndrome. Last evaluated: 2025-08-26. Review status: criteria provided, single submitter. Criteria: Invitae Variant Classification Sherloc (09022015). Collection method: clinical testing. Allele origin: germline.

Blueprint Genetics
Classification: Likely benign. Last evaluated: 2024-07-11. Review status: criteria provided, single submitter. Criteria: ACMG Guidelines, 2015. Collection method: clinical testing. Allele origin: germline.

Ambry Genetics
Classification: Uncertain significance for Primary ciliary dyskinesia. Last evaluated: 2018-07-05. Review status: criteria provided, single submitter. Criteria: Ambry Variant Classification Scheme 2023. Collection method: clinical testing. Allele origin: germline.
Comment: The p.C581Y variant (also known as c.1742G>A), located in coding exon 16 of the OFD1 gene, results from a G to A substitution at nucleotide position 1742. The cysteine at codon 581 is replaced by tyrosine, an amino acid with highly dissimilar properties. This amino acid position is poorly conserved in available vertebrate species. In addition, this alteration is predicted to be tolerated by in silico analysis. Since supporting evidence is limited at this time, the clinical significance of this alteration remains unclear.

PreventionGenetics, part of Exact Sciences
Classification: Likely benign for OFD1-related condition. Last evaluated: 2024-08-28. Review status: no assertion criteria provided. Collection method: clinical testing. Allele origin: germline. Not counted in ClinVar's aggregate classification.
Comment: This variant is classified as likely benign based on ACMG/AMP sequence variant interpretation guidelines (Richards et al. 2015 PMID: 25741868, with internal and published modifications).

NM_003611.3(OFD1):c.1742G>A (p.Cys581Tyr)

Gene: OFD1 (OFD1 centriole and centriolar satellite protein; plus strand). Cytogenetic location: Xp22.2.
Variant type: single nucleotide variant.
Coding change: c.1742G>A on transcript NM_003611.3 (MANE Select); coding-DNA position 1742, G replaced by A.
Protein change: p.Cys581Tyr; replaces cysteine 581 with tyrosine.
Molecular consequence: missense variant.
Genome position (GRCh38, 1-based): chrX:13,760,202, G>A. VCF-style: chrX-13760202-G-A. GRCh37 (hg19) VCF-style: chrX-13778321-G-A.
Other names: c.1622G>A, p.Cys541Tyr (NM_001330209.2); c.1322G>A, p.Cys441Tyr (NM_001330210.2); short protein forms C441Y, C541Y, C581Y.
Identifiers: ClinVar variation 1169861 (VCV001169861.12), dbSNP rs201230660, ClinGen allele CA10351884.